The following is an entry in ClinVar:

NM_201384.3(PLEC):c.10208G>A (p.Arg3403Gln)

Gene: PLEC (plectin; minus strand). Cytogenetic location: 8q24.3.
Variant type: single nucleotide variant.
Coding change: c.10208G>A on transcript NM_201384.3 (MANE Select); coding-DNA position 10208, G replaced by A.
Protein change: p.Arg3403Gln; replaces arginine 3403 with glutamine.
Molecular consequence: missense variant.
Genome position (GRCh38, 1-based): chr8:143,919,613, C>T on the plus strand (G>A on the coding strand, the complement: PLEC is on the minus strand). VCF-style: chr8-143919613-C-T. GRCh37 (hg19) VCF-style: chr8-144993781-C-T.
Other names: c.10289G>A, p.Arg3430Gln (NM_000445.5); c.10166G>A, p.Arg3389Gln (NM_201378.4); c.10142G>A, p.Arg3381Gln (NM_201379.3); c.10619G>A, p.Arg3540Gln (NM_201380.4); c.10112G>A, p.Arg3371Gln (NM_201381.3); c.10208G>A, p.Arg3403Gln (NM_201382.4); c.10220G>A, p.Arg3407Gln (NM_201383.3); short protein forms R3389Q, R3430Q, R3371Q, R3407Q, R3540Q, R3381Q, R3403Q.
Identifiers: ClinVar variation 592955 (VCV000592955.19), dbSNP rs369621159, ClinGen allele CA4924724.

ClinVar aggregate classification (germline): Conflicting classifications of pathogenicity. Review status: criteria provided, conflicting classifications (1 of 4 stars). 4 submissions from 4 submitters: Uncertain significance (2); Likely benign (2). Last evaluated 2025-12-23.

Conditions:
PLEC-related disorder. Also called: PLEC-related disorders; PLEC-related condition.
Epidermolysis bullosa simplex 5C, with pyloric atresia (EBS5C). Also called: PLEC-Related Epidermolysis Bullosa with Pyloric Atresia; PLEC1-Related Epidermolysis Bullosa with Pyloric Atresia; Epidermolysis bullosa simplex with pyloric atresia. Identifiers: Orphanet 158684, MedGen C2677349, MONDO:0012807, OMIM 612138.
Epidermolysis bullosa simplex, Ogna type (EBS5A). Also called: Pidermolysis bullosa simplex 5A, Ogna type; EPIDERMOLYSIS BULLOSA SIMPLEX 5A, OGNA TYPE. Identifiers: Orphanet 79401, MedGen C0432317, MONDO:0007555, OMIM 131950.
Epidermolysis bullosa simplex 5B, with muscular dystrophy (EBS5B). Also called: Epidermolysis bullosa simplex with muscular dystrophy; EPIDERMOLYSIS BULLOSA SIMPLEX AND LIMB-GIRDLE MUSCULAR DYSTROPHY. Identifiers: Orphanet 257, MedGen C2931072, MONDO:0009181, OMIM 226670.
Epidermolysis bullosa simplex with nail dystrophy (EBS5D). Identifiers: MedGen C4225309, MONDO:0014661, OMIM 616487.
Autosomal recessive limb-girdle muscular dystrophy type 2Q (LGMDR17). Also called: MUSCULAR DYSTROPHY, LIMB-GIRDLE, AUTOSOMAL RECESSIVE 17. Identifiers: Orphanet 254361, MedGen C3150989, MONDO:0013390, OMIM 613723.

Allele frequency attached by ClinVar (database versions not stated): ESP Exome Variant Server 0.00008; gnomAD exomes 0.00010 and 0.00027; 1000 Genomes Project 30x 0.00016; gnomAD 0.00021; TOPMed 0.00021; ExAC 0.00024.
gnomAD v4.1: 184 of 1,584,630 alleles (0.012%); highest among the groups gnomAD compares: East Asian, 0.049%; 1 homozygote.

Submissions (4):

Labcorp Genetics (formerly Invitae), Labcorp
Classification: Likely benign for Autosomal recessive limb-girdle muscular dystrophy type 2Q; Epidermolysis bullosa simplex, Ogna type; Epidermolysis bullosa simplex with nail dystrophy; Epidermolysis bullosa simplex 5C, with pyloric atresia; Epidermolysis bullosa simplex 5B, with muscular dystrophy. Last evaluated: 2025-12-23. Review status: criteria provided, single submitter. Criteria: Invitae Variant Classification Sherloc (09022015). Collection method: clinical testing. Allele origin: germline.

PreventionGenetics, part of Exact Sciences
Classification: Likely benign for PLEC-related condition. Last evaluated: 2025-12-19. Review status: criteria provided, single submitter. Criteria: ACMG Guidelines, 2015. Collection method: clinical testing. Allele origin: germline.
Comment: This variant is classified as likely benign based on ACMG/AMP sequence variant interpretation guidelines (Richards et al. 2015 PMID: 25741868, with internal and published modifications).

Revvity Omics, Revvity
Classification: Uncertain significance. Last evaluated: 2025-03-14. Review status: criteria provided, single submitter. Criteria: ACMG Guidelines, 2015. Collection method: clinical testing. Allele origin: germline.

Eurofins Ntd Llc (ga)
Classification: Uncertain significance. Last evaluated: 2017-12-14. Review status: criteria provided, single submitter. Criteria: EGL Classification Definitions 2015. Collection method: clinical testing. Allele origin: germline. Observed: 2 variant alleles, 2 heterozygotes.